The following is an entry in ClinVar:

NM_015230.4(ARAP2):c.2698T>G (p.Tyr900Asp)

Gene: ARAP2 (ArfGAP with RhoGAP domain, ankyrin repeat and PH domain 2; minus strand). Cytogenetic location: 4p14.
Variant type: single nucleotide variant.
Coding change: c.2698T>G on transcript NM_015230.4 (MANE Select); coding-DNA position 2698, T replaced by G.
Protein change: p.Tyr900Asp; replaces tyrosine 900 with aspartic acid.
Molecular consequence: missense variant. On other transcripts: non-coding transcript variant (2).
Genome position (GRCh38, 1-based): chr4:36,158,784, A>C on the plus strand (T>G on the coding strand, the complement: ARAP2 is on the minus strand). VCF-style: chr4-36158784-A-C. GRCh37 (hg19) VCF-style: chr4-36160406-A-C.
Other names: short protein forms Y900D.
Identifiers: ClinVar variation 3027032 (VCV003027032.22), dbSNP rs2529121143, ClinGen allele CA356530165.

ClinVar aggregate classification (germline): Uncertain significance (1 of 4 stars; one submission).

Submission:

CeGaT Center for Human Genetics Tuebingen
Classification: Uncertain significance. Last evaluated: 2024-01-01. Review status: criteria provided, single submitter. Criteria: CeGaT Center For Human Genetics Tuebingen Variant Classification Criteria Version 2. Collection method: clinical testing. Allele origin: germline. Affected: yes. Observed: 1 variant allele.
Comment: ARAP2: PM2